The following is an entry in ClinVar:

NM_000540.3(RYR1):c.11811G>A (p.Ser3937=)

Gene: RYR1 (ryanodine receptor 1; plus strand). Cytogenetic location: 19q13.2.
Variant type: single nucleotide variant.
Coding change: c.11811G>A on transcript NM_000540.3 (MANE Select); coding-DNA position 11811, G replaced by A.
Protein change: p.Ser3937=; no amino-acid change (serine 3937 retained).
Molecular consequence: synonymous variant.
Genome position (GRCh38, 1-based): chr19:38,543,564, G>A. VCF-style: chr19-38543564-G-A. GRCh37 (hg19) VCF-style: chr19-39034204-G-A.
Other names: c.11796G>A, p.Ser3932= (NM_001042723.2).
Identifiers: ClinVar variation 198961 (VCV000198961.16), dbSNP rs794727946, ClinGen allele CA023939.

ClinVar aggregate classification (germline): Conflicting classifications of pathogenicity. Review status: criteria provided, conflicting classifications (1 of 4 stars). 6 submissions from 6 submitters: Uncertain significance (2); Likely benign (4). Last evaluated 2025-11-01.

Conditions:
Congenital multicore myopathy with external ophthalmoplegia (CMYO1B). Also called: MULTICORE MYOPATHY; MULTIMINICORE DISEASE WITH EXTERNAL OPHTHALMOPLEGIA; Congenital myopathy 1B, autosomal recessive; Minicore myopathy; Minicore myopathy with external ophthalmoplegia. Identifiers: Orphanet 598, Orphanet 98905, MedGen C1850674, MONDO:0009712, OMIM 255320, HP:0003789.
Central core myopathy (CMYO1A). Also called: CONGENITAL MYOPATHY 1A, AUTOSOMAL DOMINANT, WITH SUSCEPTIBILITY TO MALIGNANT HYPERTHERMIA; Central core disease; Myopathy, central fibrillar. Identifiers: Orphanet 597, MedGen C5830701, MONDO:0007294, OMIM 117000.
Malignant hyperthermia, susceptibility to, 1 (MHS1). Also called: RYR1-Related Malignant Hyperthermia Susceptibility; Malignant hyperthermia suceptibility 1; Anesthesia related hyperthermia; Malignant hyperpyrexia; Fulminating hyperpyrexia; Pharmacogenic myopathy. Identifiers: Orphanet 423, MedGen C2930980, MONDO:0007783, OMIM 145600.
Congenital myopathy with fiber type disproportion. Also called: Congenital fiber-type disproportion; Congenital fiber-type disproportion myopathy. Identifiers: Orphanet 2020, MedGen C0546264, MONDO:0009711. Inheritance: all.
King Denborough syndrome (KDS). Identifiers: MedGen C1840365, MONDO:0020485, OMIM 619542.
RYR1-related disorder. Also called: RYR1-related disorders; RYR1-related condition. Identifiers: MedGen CN239331.

Allele frequency attached by ClinVar (database versions not stated): gnomAD 0.00001; gnomAD exomes 0.00002; TOPMed 0.00002.
gnomAD v4.1: 27 of 1,613,932 alleles (0.0017%); highest among the groups gnomAD compares: Non-Finnish European, 0.0022%; no homozygotes.

Submissions (6):

Labcorp Genetics (formerly Invitae), Labcorp
Classification: Likely benign for RYR1-related disorder. Last evaluated: 2025-11-01. Review status: criteria provided, single submitter. Criteria: Invitae Variant Classification Sherloc (09022015). Collection method: clinical testing. Allele origin: germline.

Women's Health and Genetics/Laboratory Corporation of America, LabCorp
Classification: Likely benign. Last evaluated: 2024-04-09. Review status: criteria provided, single submitter. Criteria: LabCorp Variant Classification Summary - May 2015. Collection method: clinical testing. Allele origin: germline.

Color Diagnostics, LLC DBA Color Health
Classification: Likely benign for Malignant hyperthermia, susceptibility to, 1. Last evaluated: 2024-01-29. Review status: criteria provided, single submitter. Criteria: ACMG Guidelines, 2015. Collection method: clinical testing. Allele origin: germline.

All of Us Research Program, National Institutes of Health
Classification: Likely benign for Malignant hyperthermia, susceptibility to, 1. Last evaluated: 2023-11-30. Review status: criteria provided, single submitter. Criteria: ACMG Guidelines, 2015. Collection method: clinical testing. Allele origin: germline. Inheritance: Autosomal dominant inheritance. Observed: 4 variant alleles, 4 heterozygotes.
Comment: This variant is located in the RYR1 protein. To our knowledge, functional studies have not been reported for this variant. This variant has not been reported in individuals affected with RYR1-related disorders in the literature. This variant has been identified in 5/251404 chromosomes in the general population by the Genome Aggregation Database (gnomAD). The available evidence is insufficient to determine the role of this variant in disease conclusively. Therefore, this variant is classified as a Variant of Uncertain Significance.

This study involves interpretation of variants in research participants for the purpose of population health screening. Participant phenotype was not available at the time of variant classification. Additional details can be found in publication PMID: 35346344, PMCID: PMC8962531

Fulgent Genetics
Classification: Uncertain significance for Central core myopathy; Malignant hyperthermia, susceptibility to, 1; Congenital myopathy 4A, autosomal dominant; Congenital multicore myopathy with external ophthalmoplegia; King Denborough syndrome. Last evaluated: 2021-10-19. Review status: criteria provided, single submitter. Criteria: ACMG Guidelines, 2015. Collection method: clinical testing. Allele origin: unknown.

Eurofins Ntd Llc (ga)
Classification: Uncertain significance. Last evaluated: 2014-12-12. Review status: criteria provided, single submitter. Criteria: EGL Classification Definitions 2015. Collection method: clinical testing. Allele origin: germline. Observed: 1 variant allele, 1 heterozygote.